The following is an entry in ClinVar:

ClinVar aggregate classification (germline): Uncertain significance (1 of 4 stars; one submission).

Allele frequency attached by ClinVar (database versions not stated): ExAC 0.00001; 1000 Genomes Project 30x 0.00031; gnomAD 0.00002; TOPMed 0.00002; 1000 Genomes Project 0.00020.
gnomAD v4.1: 4 of 1,600,584 alleles (0.00025%); highest among the groups gnomAD compares: African/African-American, 0.0054%; no homozygotes.

Submission:

Ambry Genetics
Classification: Uncertain significance. Last evaluated: 2026-04-01. Review status: criteria provided, single submitter. Criteria: Ambry Variant Classification Scheme 2023. Collection method: clinical testing. Allele origin: germline.
Comment: The c.2824A>G (p.T942A) alteration is located in exon 16 (coding exon 16) of the POLQ gene. This alteration results from a A to G substitution at nucleotide position 2824, causing the threonine (T) at amino acid position 942 to be replaced by an alanine (A). Based on data from gnomAD, the G allele has an overall frequency of <0.001% (1/244322) total alleles studied. The highest observed frequency was 0.006% (1/16062) of African alleles. Based on insufficient or conflicting evidence, the clinical significance of this alteration remains unclear.

NM_199420.4(POLQ):c.2824A>G (p.Thr942Ala)

Gene: POLQ (DNA polymerase theta; minus strand). Cytogenetic location: 3q13.33.
Variant type: single nucleotide variant.
Coding change: c.2824A>G on transcript NM_199420.4 (MANE Select); coding-DNA position 2824, A replaced by G.
Protein change: p.Thr942Ala; replaces threonine 942 with alanine.
Molecular consequence: missense variant.
Genome position (GRCh38, 1-based): chr3:121,490,107, T>C on the plus strand (A>G on the coding strand, the complement: POLQ is on the minus strand). VCF-style: chr3-121490107-T-C. GRCh37 (hg19) VCF-style: chr3-121208954-T-C.
Other names: short protein forms T942A.
Identifiers: ClinVar variation 1796481 (VCV001796481.4), dbSNP rs559211409, ClinGen allele CA2563177.
Genomic context (GRCh38, chr3:121,490,107, plus strand): 5'-TTTTATTTAAGTCTTGCACTATATTTGGTGAATGCTTAATATAAGAATCACTAAATATTG[T>C]GTTACTTTTGTTCTTTGATGTTAATTTTTTATAAGAACTCTTAGTTTGGGATATAAATGT-3'
Protein context (NP_955452.3, residues 932-952): KKLTSKNKSN[Thr942Ala]IFSDSYIKHS